The following is an entry in ClinVar:

ClinVar aggregate classification (germline): Uncertain significance. Review status: criteria provided, multiple submitters, no conflicts (2 of 4 stars). 2 submissions from 2 submitters: Uncertain significance (2). Last evaluated 2024-03-14.

Conditions:
Hereditary cancer-predisposing syndrome. Also called: Tumor predisposition; Hereditary neoplastic syndrome; Neoplastic Syndromes, Hereditary; Hereditary Cancer Syndrome. Identifiers: Orphanet 140162, MedGen C0027672, MeSH D009386, MONDO:0015356.

Submissions (2):

Ambry Genetics
Classification: Uncertain significance for Hereditary cancer-predisposing syndrome. Last evaluated: 2024-03-14. Review status: criteria provided, single submitter. Criteria: Ambry Variant Classification Scheme 2023. Collection method: clinical testing. Allele origin: germline.
Comment: The p.T2065I variant (also known as c.6194C>T), located in coding exon 45 of the POLE gene, results from a C to T substitution at nucleotide position 6194. The threonine at codon 2065 is replaced by isoleucine, an amino acid with similar properties. This amino acid position is conserved. In addition, the in silico prediction for this alteration is inconclusive. Based on the available evidence, the clinical significance of this alteration remains unclear.

Labcorp Genetics (formerly Invitae), Labcorp
Classification: Uncertain significance. Last evaluated: 2021-12-27. Review status: criteria provided, single submitter. Criteria: Invitae Variant Classification Sherloc (09022015). Collection method: clinical testing. Allele origin: germline.
Comment: In summary, the available evidence is currently insufficient to determine the role of this variant in disease. Therefore, it has been classified as a Variant of Uncertain Significance. Algorithms developed to predict the effect of missense changes on protein structure and function (SIFT, PolyPhen-2, Align-GVGD) all suggest that this variant is likely to be tolerated. This variant has not been reported in the literature in individuals affected with POLE-related conditions. This variant is not present in population databases (gnomAD no frequency). This sequence change replaces threonine, which is neutral and polar, with isoleucine, which is neutral and non-polar, at codon 2065 of the POLE protein (p.Thr2065Ile).

NM_006231.4(POLE):c.6194C>T (p.Thr2065Ile)

Gene: POLE (DNA polymerase epsilon, catalytic subunit; minus strand). Cytogenetic location: 12q24.33.
Variant type: single nucleotide variant.
Coding change: c.6194C>T on transcript NM_006231.4 (MANE Select); coding-DNA position 6194, C replaced by T.
Protein change: p.Thr2065Ile; replaces threonine 2065 with isoleucine.
Molecular consequence: missense variant.
Genome position (GRCh38, 1-based): chr12:132,632,451, G>A on the plus strand (C>T on the coding strand, the complement: POLE is on the minus strand). VCF-style: chr12-132632451-G-A. GRCh37 (hg19) VCF-style: chr12-133209037-G-A.
Other names: c.6194C>T (NM_006231.2); short protein forms T2065I.
Identifiers: ClinVar variation 1939660 (VCV001939660.6), dbSNP rs2138460960, ClinGen allele CA387369782.
Genomic context (GRCh38, chr12:132,632,451, plus strand): 5'-TCTGAGAGCTCAGTGGAGTTCCGAGAGCCTGTGACTTTCTTCTGAATCTTCTGAGTGATG[G>A]TGAAGAAGCTCTGAGTGAGCTCATTTGCGACATAATCCTGAGAGAAGGTGATCATTCCTG-3'
Protein context (NP_006222.2, residues 2055-2075): VANELTQSFF[Thr2065Ile]ITQKIQKKVT